The following is an entry in ClinVar:

NM_006755.2(TALDO1):c.372G>A (p.Arg124=)

Gene: TALDO1 (transaldolase 1; plus strand). Cytogenetic location: 11p15.5.
Variant type: single nucleotide variant.
Coding change: c.372G>A on transcript NM_006755.2 (MANE Select); coding-DNA position 372, G replaced by A.
Protein change: p.Arg124=; no amino-acid change (arginine 124 retained).
Molecular consequence: synonymous variant.
Genome position (GRCh38, 1-based): chr11:760,164, G>A. VCF-style: chr11-760164-G-A. GRCh37 (hg19) VCF-style: chr11-760164-G-A.
Other names: c.372G>A (NM_006755.1).
Identifiers: ClinVar variation 2716010 (VCV002716010.5), dbSNP rs1167525254, ClinGen allele CA472333365.
Genomic context (GRCh38, chr11:760,164, plus strand): 5'-TTCTTCTTGCTCCTACAGGCTCTCCTTTGATAAAGATGCGATGGTGGCCAGAGCCAGGCG[G>A]CTCATCGAGCTCTACAAGGAAGCTGGGATCAGCAAGGACCGAATTCTTATAAAGCTGTCA-3'
Protein context (NP_006746.1, residues 114-134): DKDAMVARAR[Arg124=]LIELYKEAGI

ClinVar aggregate classification (germline): Likely benign. Review status: criteria provided, single submitter (1 of 4 stars). 2 submissions from 2 submitters: Likely benign (1). 1 of the submissions does not count toward it. Last evaluated 2025-02-17.

Conditions:
TALDO1-related disorder. Also called: TALDO1-related condition.

Submissions (2):

Labcorp Genetics (formerly Invitae), Labcorp
Classification: Likely benign. Last evaluated: 2025-02-17. Review status: criteria provided, single submitter. Criteria: Invitae Variant Classification Sherloc (09022015). Collection method: clinical testing. Allele origin: germline.

PreventionGenetics, part of Exact Sciences
Classification: Likely benign for TALDO1-related condition. Last evaluated: 2019-07-11. Review status: no assertion criteria provided. Collection method: clinical testing. Allele origin: germline. Not counted in ClinVar's aggregate classification.
Comment: This variant is classified as likely benign based on ACMG/AMP sequence variant interpretation guidelines (Richards et al. 2015 PMID: 25741868, with internal and published modifications).